The following is an entry in ClinVar:

NM_000275.3(OCA2):c.797G>A (p.Arg266Gln)

Gene: OCA2 (OCA2 melanosomal transmembrane protein; minus strand). Cytogenetic location: 15q13.1.
Variant type: single nucleotide variant.
Coding change: c.797G>A on transcript NM_000275.3 (MANE Select); coding-DNA position 797, G replaced by A.
Protein change: p.Arg266Gln; replaces arginine 266 with glutamine.
Molecular consequence: missense variant.
Genome position (GRCh38, 1-based): chr15:28,018,407, C>T on the plus strand (G>A on the coding strand, the complement: OCA2 is on the minus strand). VCF-style: chr15-28018407-C-T. GRCh37 (hg19) VCF-style: chr15-28263553-C-T.
Other names: c.797G>A, p.Arg266Gln (NM_001300984.2); short protein forms R266Q.
Identifiers: ClinVar variation 1544849 (VCV001544849.10), dbSNP rs774460527, ClinGen allele CA7439354.
Genomic context (GRCh38, chr15:28,018,407, plus strand): 5'-GAGATGAAATGAGATTTCACAATTCCTTTCAAATAAATTATCAGCATAACCTGCTGTGGC[C>T]GCCGCCACCTGGAGCCCAAAGCGTCAGCCTGGGTCAGCTCCACCACGATGTGCTCTTCCC-3'
Protein context (NP_000266.2, residues 256-276): QADALGSRWR[Arg266Gln]PQQVTHNWTV

ClinVar aggregate classification (germline): Conflicting classifications of pathogenicity. Review status: criteria provided, conflicting classifications (1 of 4 stars). 3 submissions from 3 submitters: Likely pathogenic (1); Uncertain significance (1); Likely benign (1). Last evaluated 2026-05-04.

Conditions:
Tyrosinase-positive oculocutaneous albinism (OCA2). Also called: ALBINISM II; Albinism, oculocutaneous, type II; Oculocutaneous albinism type 2. Identifiers: Orphanet 79432, MedGen C0268495, MONDO:0008746, OMIM 203200.
SKIN/HAIR/EYE PIGMENTATION 1, BLUE/NONBLUE EYES (SHEP1). Also called: SKIN/HAIR/EYE PIGMENTATION 1, BLOND/BROWN HAIR; SKIN/HAIR/EYE PIGMENTATION 1, BLUE/BROWN EYES; BROWN EYE COLOR 2; EYE COLOR 3; EYE COLOR, BLUE/NONBLUE; EYE COLOR, BROWN/BLUE. Identifiers: MedGen C1856895, OMIM 227220.

Allele frequency attached by ClinVar (database versions not stated): gnomAD 0.00006; TOPMed 0.00006; ExAC 0.00008.
gnomAD v4.1: 47 of 1,613,942 alleles (0.0029%); highest among the groups gnomAD compares: East Asian, 0.051%; no homozygotes.

Submissions (3):

Myriad Genetics, Inc.
Classification: Uncertain significance for Tyrosinase-positive oculocutaneous albinism. Last evaluated: 2026-05-04. Review status: criteria provided, single submitter. Criteria: Myriad Autosomal Dominant, Autosomal Recessive and X-Linked Classification Criteria (2023). Collection method: clinical testing. Allele origin: unknown.
Comment: NM_000275.2(OCA2):c.797G>A(R266Q) is a missense variant classified as a variant of uncertain significance in the context of oculocutaneous albinism, OCA2-related. R266Q has been observed in cases with relevant disease (PMID: 4142850, 25469862). Relevant functional assessments of this variant are not available in the literature. R266Q has been observed in referenced population frequency databases. In summary, there is insufficient evidence to classify NM_000275.2(OCA2):c.797G>A(R266Q) as pathogenic or benign. Please note: this variant was assessed in the context of healthy population screening.

Labcorp Genetics (formerly Invitae), Labcorp
Classification: Likely benign. Last evaluated: 2025-12-27. Review status: criteria provided, single submitter. Criteria: Invitae Variant Classification Sherloc (09022015). Collection method: clinical testing. Allele origin: germline.

Laboratory of Genetic Epidemiology, Research Centre for Medical Genetics
Classification: Likely pathogenic for SKIN/HAIR/EYE PIGMENTATION 1, BLUE/NONBLUE EYES; Tyrosinase-positive oculocutaneous albinism. Last evaluated: 2025-01-01. Review status: criteria provided, single submitter. Criteria: ACMG Guidelines, 2015. Collection method: clinical testing. Allele origin: maternal. Inheritance: Autosomal recessive inheritance. Affected: yes. Observed: 1 compound heterozygote.
Comment: This variant has not been previously reported in the literature and is listed in gnomAD v3.1.2 with allele frequency 0.00005 (9/152164), none in homozygous state. The affected amino acid position is evolutionarily conserved, and multiple in silico prediction tools support a deleterious effect. Another previously described (HGMD: CM182177) missense variant at this position NM_000372.5:c.796C>T, p.(R266W) has been reported. Taken together, the variant meets the following ACMG/AMP criteria and can be classified as likely pathogenic with PM2, PM5, PP3, PM3, PP4 criteria.

Literature cited by the submitters: PubMed 25469862 (cited by Myriad Genetics, Inc.); PubMed 4142850 (cited by Myriad Genetics, Inc.); PubMed 41428507 (cited by Laboratory of Genetic Epidemiology, Research Centre for Medical Genetics).